The following is an entry in ClinVar:

NM_001267550.2(TTN):c.42383G>C (p.Gly14128Ala)

Gene: TTN (titin; minus strand). Cytogenetic location: 2q31.2.
Variant type: single nucleotide variant.
Coding change: c.42383G>C on transcript NM_001267550.2 (MANE Select); coding-DNA position 42383, G replaced by C.
Protein change: p.Gly14128Ala; replaces glycine 14128 with alanine.
Molecular consequence: missense variant.
Genome position (GRCh38, 1-based): chr2:178,634,398, C>G on the plus strand (G>C on the coding strand, the complement: TTN is on the minus strand). VCF-style: chr2-178634398-C-G. GRCh37 (hg19) VCF-style: chr2-179499125-C-G.
Other names: c.37460G>C, p.Gly12487Ala (NM_001256850.1); c.15188G>C, p.Gly5063Ala (NM_003319.4); c.34679G>C, p.Gly11560Ala (NM_133378.4); c.15563G>C, p.Gly5188Ala (NM_133432.3); c.15764G>C, p.Gly5255Ala (NM_133437.4); short protein forms G11560A, G12487A, G14128A, G5063A, G5188A, G5255A.
Identifiers: ClinVar variation 1206990 (VCV001206990.10), dbSNP rs370793851, ClinGen allele CA1996092.

ClinVar aggregate classification (germline): Conflicting classifications of pathogenicity. Review status: criteria provided, conflicting classifications (1 of 4 stars). 4 submissions from 4 submitters: Uncertain significance (3); Likely benign (1). Last evaluated 2025-04-23.

Conditions:
TTN-related disorder. Also called: TTN-related disorders; TTN-related condition; TTN-related disease.
Cardiomyopathy (CMYO). Also called: Cardiomyopathies. Identifiers: Orphanet 167848, MedGen C0878544, MONDO:0004994, HP:0001638. Inheritance: Various modes of inheritance.

Allele frequency attached by ClinVar (database versions not stated): ExAC 0.00003; TOPMed 0.00003; gnomAD 0.00004; gnomAD exomes 0.00005 and 0.00008; ESP Exome Variant Server 0.00008.
gnomAD v4.1: 142 of 1,610,478 alleles (0.0088%); highest among the groups gnomAD compares: Non-Finnish European, 0.01%; no homozygotes.

Submissions (4):

PreventionGenetics, part of Exact Sciences
Classification: Uncertain significance for TTN-related condition. Last evaluated: 2025-04-23. Review status: criteria provided, single submitter. Criteria: ACMG Guidelines, 2015. Collection method: clinical testing. Allele origin: germline.
Comment: The TTN c.42383G>C variant is predicted to result in the amino acid substitution p.Gly14128Ala. To our knowledge, this variant has not been reported in the literature. This variant is reported in 0.011% of alleles in individuals of European (Non-Finnish) descent in gnomAD. At this time, the clinical significance of this variant is uncertain due to the absence of conclusive functional and genetic evidence.

Revvity Omics, Revvity
Classification: Uncertain significance. Last evaluated: 2023-01-03. Review status: criteria provided, single submitter. Criteria: ACMG Guidelines, 2015. Collection method: clinical testing. Allele origin: germline.

CHEO Genetics Diagnostic Laboratory, Children's Hospital of Eastern Ontario
Classification: Uncertain significance for Cardiomyopathy. Last evaluated: 2022-05-31. Review status: criteria provided, single submitter. Criteria: ACMG Guidelines, 2015. Collection method: clinical testing. Allele origin: germline.

GeneDx
Classification: Likely benign. Last evaluated: 2019-11-19. Review status: criteria provided, single submitter. Criteria: GeneDx Variant Classification Process June 2021. Collection method: clinical testing. Allele origin: germline. Affected: yes.